The following is an entry in ClinVar:

NM_007294.4(BRCA1):c.3798C>A (p.Ser1266Arg)

Genes: BRCA1 (BRCA1 DNA repair associated; minus strand), LOC126862571 (BRD4-independent group 4 enhancer GRCh37_chr17:41243136-41244335; plus strand). Cytogenetic location: 17q21.31.
Variant type: single nucleotide variant.
Coding change: c.3798C>A on transcript NM_007294.4 (MANE Select); coding-DNA position 3798, C replaced by A.
Protein change: p.Ser1266Arg; replaces serine 1266 with arginine.
Molecular consequence: missense variant. On other transcripts: intron variant (135).
Genome position (GRCh38, 1-based): chr17:43,091,733, G>T on the plus strand (C>A on the coding strand, the complement: BRCA1 is on the minus strand). VCF-style: chr17-43091733-G-T. GRCh37 (hg19) VCF-style: chr17-41243750-G-T.
Other names: c.3654C>A, p.Ser1218Arg (NM_001407838.1, NM_001407839.1, NM_001407841.1 and 20 more transcripts); c.3657C>A, p.Ser1219Arg (NM_001407850.1, NM_001407851.1, NM_001407852.1 and 29 more transcripts); c.3585C>A, p.Ser1195Arg (NM_001407853.1, NM_001407894.1, NM_001407895.1 and 9 more transcripts); c.3798C>A, p.Ser1266Arg (NM_001407854.1, NM_001407858.1, NM_001407859.1 and 30 more transcripts); c.3795C>A, p.Ser1265Arg (NM_001407860.1, NM_001407861.1, NM_001407610.1 and 22 more transcripts); c.3597C>A, p.Ser1199Arg (NM_001407862.1); c.3675C>A, p.Ser1225Arg (NM_001407863.1, NM_001407919.1, NM_001407937.1 and 19 more transcripts); c.3594C>A, p.Ser1198Arg (NM_001407874.1, NM_001407875.1); and 41 more; short protein forms S1266R, S1219R, S1098R, S1154R, S1198R, S970R, S1177R, S1195R.
Identifiers: ClinVar variation 230616 (VCV000230616.19), dbSNP rs200648498, ClinGen allele CA10580550.

ClinVar aggregate classification (germline): Conflicting classifications of pathogenicity. Review status: criteria provided, conflicting classifications (1 of 4 stars). 5 submissions from 5 submitters: Uncertain significance (4); Likely benign (1). Last evaluated 2024-06-25.

Conditions:
Hereditary cancer-predisposing syndrome. Also called: Tumor predisposition; Hereditary Cancer Syndrome; Neoplastic Syndromes, Hereditary; Hereditary neoplastic syndrome. Identifiers: Orphanet 140162, MedGen C0027672, MeSH D009386, MONDO:0015356.
Hereditary breast ovarian cancer syndrome. Also called: Breast and ovarian cancer; Hereditary breast and ovarian cancer; Hereditary breast and ovarian cancer syndrome; Hereditary breast and/or ovarian cancer syndrome; BRCA1- and BRCA2-Associated Hereditary Breast and Ovarian Cancer; Hereditary breast and ovarian cancer syndrome (HBOC). Identifiers: Orphanet 145, MedGen C0677776, MeSH D061325, MONDO:0003582. Disease mechanism: loss of function.
Breast-ovarian cancer, familial, susceptibility to, 1 (BROVCA1). Also called: BRCA1 Hereditary Breast and Ovarian Cancer; OVARIAN CANCER, SUSCEPTIBILITY TO. Identifiers: Orphanet 145, MedGen C2676676, MONDO:0011450, OMIM 604370. Disease mechanism: loss of function.

Allele frequency attached by ClinVar (database versions not stated): TOPMed below 0.00001; gnomAD 0.00001.
gnomAD v4.1: 1 of 1,614,086 alleles (0.000062%); highest among the groups gnomAD compares: Admixed American, 0.0017%; no homozygotes.

Submissions (5):

Quest Diagnostics Nichols Institute San Juan Capistrano
Classification: Uncertain significance. Last evaluated: 2024-06-25. Review status: criteria provided, single submitter. Criteria: Quest Diagnostics criteria. Collection method: clinical testing. Allele origin: unknown.
Comment: The BRCA1 c.3798C>A (p.Ser1266Arg) variant has been reported in the published literature in an individual undergoing multigene panel testing (PMID: 31853058 (2020)) and described to be located in a region of the BRCA1 gene that is tolerant to missense sequence changes (PMID: 31911673 (2020)). The frequency of this variant in the general population, 0.0000066 (1/152208 chromosomes (Genome Aggregation Database)), is uninformative in the assessment of its pathogenicity. Analysis of this variant using bioinformatics tools for the prediction of the effect of amino acid changes on protein structure and function yielded conflicting predictions that this variant is deleterious or unknown. Based on the available information, we are unable to determine the clinical significance of this variant.

All of Us Research Program, National Institutes of Health
Classification: Uncertain significance for Breast-ovarian cancer, familial, susceptibility to, 1. Last evaluated: 2023-12-18. Review status: criteria provided, single submitter. Criteria: ACMG Guidelines, 2015. Collection method: clinical testing. Allele origin: germline. Inheritance: Autosomal dominant inheritance. Observed: 1 variant allele, 1 heterozygote.
Comment: This missense variant replaces serine with arginine at codon 1266 of the BRCA1 protein. Computational prediction is inconclusive for the variant impact on protein structure and function. To our knowledge, functional studies have not been reported for this variant. A multifactorial analysis has reported a likelihood ratio for pathogenicity based on health history of approximately 0.82 from the reported log(LR) of -0.085030213 (PMID: 31853058). This variant has not been identified in the general population by the Genome Aggregation Database (gnomAD). The available evidence is insufficient to determine the role of this variant in disease conclusively. Therefore, this variant is classified as a Variant of Uncertain Significance.

This study involves interpretation of variants in research participants for the purpose of population health screening. Participant phenotype was not available at the time of variant classification. Additional details can be found in publication PMID: 35346344, PMCID: PMC8962531

Labcorp Genetics (formerly Invitae), Labcorp
Classification: Uncertain significance for Hereditary breast ovarian cancer syndrome. Last evaluated: 2023-07-12. Review status: criteria provided, single submitter. Criteria: Invitae Variant Classification Sherloc (09022015). Collection method: clinical testing. Allele origin: germline.
Comment: ClinVar contains an entry for this variant (Variation ID: 230616). In summary, the available evidence is currently insufficient to determine the role of this variant in disease. Therefore, it has been classified as a Variant of Uncertain Significance. Advanced modeling of protein sequence and biophysical properties (such as structural, functional, and spatial information, amino acid conservation, physicochemical variation, residue mobility, and thermodynamic stability) performed at Invitae indicates that this missense variant is not expected to disrupt BRCA1 protein function. This variant has not been reported in the literature in individuals affected with BRCA1-related conditions. This variant is not present in population databases (gnomAD no frequency). This sequence change replaces serine, which is neutral and polar, with arginine, which is basic and polar, at codon 1266 of the BRCA1 protein (p.Ser1266Arg).

University of Washington Department of Laboratory Medicine, University of Washington
Classification: Likely benign for Hereditary cancer-predisposing syndrome. Last evaluated: 2023-03-23. Review status: criteria provided, single submitter. Criteria: Dines et al. (Genet Med. 2020). Collection method: curation. Allele origin: germline.
Comment: Missense variant in a coldspot region where missense variants are very unlikely to be pathogenic (PMID:31911673).

BRCA1 coldspot (exon 11 using historical exon numbering). Reclassification based on statistical prior probability

Ambry Genetics
Classification: Uncertain significance for Hereditary cancer-predisposing syndrome. Last evaluated: 2022-03-14. Review status: criteria provided, single submitter. Criteria: Ambry Variant Classification Scheme 2023. Collection method: clinical testing. Allele origin: germline.
Comment: The p.S1266R variant (also known as c.3798C>A), located in coding exon 9 of the BRCA1 gene, results from a C to A substitution at nucleotide position 3798. The serine at codon 1266 is replaced by arginine, an amino acid with dissimilar properties. This amino acid position is not well conserved in available vertebrate species. In addition, the in silico prediction for this alteration is inconclusive. Since supporting evidence is limited at this time, the clinical significance of this alteration remains unclear.

Literature cited by the submitters: PubMed 31911673 (cited by Quest Diagnostics Nichols Institute San Juan Capistrano); PubMed 31853058 (cited by Quest Diagnostics Nichols Institute San Juan Capistrano and All of Us Research Program, National Institutes of Health); PubMed 25337278 (cited by Ambry Genetics).